The following is an entry in ClinVar:

ClinVar aggregate classification (germline): Benign/Likely benign. Review status: criteria provided, multiple submitters, no conflicts (2 of 4 stars). 3 submissions from 3 submitters: Benign (1); Likely benign (2). Last evaluated 2025-06-01.

Conditions:
Familial thoracic aortic aneurysm and aortic dissection (TAAD). Also called: Thoracic aortic aneurysms and dissections. Identifiers: Orphanet 91387, MedGen C4707243, MONDO:0019625.
Marfan syndrome (MFS). Also called: Marfan syndrome type 1; Marfan's syndrome; FBN1-Related Marfan Syndrome; MARFAN SYNDROME, TYPE I; Marfan syndrome, classic. Identifiers: Orphanet 284963, Orphanet 558, MedGen C0024796, MONDO:0007947, OMIM 154700.

Allele frequency attached by ClinVar (database versions not stated): ExAC 0.00002; gnomAD 0.00001; TOPMed 0.00001.
gnomAD v4.1: 15 of 1,614,014 alleles (0.00093%); highest among the groups gnomAD compares: East Asian, 0.033%; no homozygotes.

Submissions (3):

Labcorp Genetics (formerly Invitae), Labcorp
Classification: Benign for Marfan syndrome; Familial thoracic aortic aneurysm and aortic dissection. Last evaluated: 2025-06-01. Review status: criteria provided, single submitter. Criteria: Invitae Variant Classification Sherloc (09022015). Collection method: clinical testing. Allele origin: germline.

All of Us Research Program, National Institutes of Health
Classification: Likely benign for Marfan syndrome. Last evaluated: 2023-10-06. Review status: criteria provided, single submitter. Criteria: ACMG Guidelines, 2015. Collection method: clinical testing. Allele origin: germline. Inheritance: Autosomal dominant inheritance. Observed: 2 variant alleles, 2 heterozygotes.
Comment: This study involves interpretation of variants in research participants for the purpose of population health screening. Participant phenotype was not available at the time of variant classification. Additional details can be found in publication PMID: 35346344, PMCID: PMC8962531

Color Diagnostics, LLC DBA Color Health
Classification: Likely benign for Familial thoracic aortic aneurysm and aortic dissection. Last evaluated: 2021-08-09. Review status: criteria provided, single submitter. Criteria: ACMG Guidelines, 2015. Collection method: clinical testing. Allele origin: germline.

NM_000138.5(FBN1):c.4530C>T (p.Ile1510=)

Gene: FBN1 (fibrillin 1; minus strand). Cytogenetic location: 15q21.1.
Variant type: single nucleotide variant.
Coding change: c.4530C>T on transcript NM_000138.5 (MANE Select); coding-DNA position 4530, C replaced by T.
Protein change: p.Ile1510=; no amino-acid change (isoleucine 1510 retained).
Molecular consequence: synonymous variant.
Genome position (GRCh38, 1-based): chr15:48,468,464, G>A on the plus strand (C>T on the coding strand, the complement: FBN1 is on the minus strand). VCF-style: chr15-48468464-G-A. GRCh37 (hg19) VCF-style: chr15-48760661-G-A.
Identifiers: ClinVar variation 1331966 (VCV001331966.4), dbSNP rs772526144, ClinGen allele CA053204.